The following is an entry in ClinVar:

NM_152542.5(PPM1K):c.311G>A (p.Arg104Gln)

Gene: PPM1K (protein phosphatase, Mg2+/Mn2+ dependent 1K; minus strand). Cytogenetic location: 4q22.1.
Variant type: single nucleotide variant.
Coding change: c.311G>A on transcript NM_152542.5 (MANE Select); coding-DNA position 311, G replaced by A.
Protein change: p.Arg104Gln; replaces arginine 104 with glutamine.
Molecular consequence: missense variant.
Genome position (GRCh38, 1-based): chr4:88,278,273, C>T on the plus strand (G>A on the coding strand, the complement: PPM1K is on the minus strand). VCF-style: chr4-88278273-C-T. GRCh37 (hg19) VCF-style: chr4-89199425-C-T.
Other names: c.311G>A (NM_152542.3); short protein forms R104Q.
Identifiers: ClinVar variation 835720 (VCV000835720.10), dbSNP rs1221527325, ClinGen allele CA357707902.

ClinVar aggregate classification (germline): Uncertain significance. Review status: criteria provided, multiple submitters, no conflicts (2 of 4 stars). 2 submissions from 2 submitters: Uncertain significance (2). Last evaluated 2021-06-18.

Conditions:
Maple syrup urine disease, mild variant (MSUDMV). Identifiers: Orphanet 511, MedGen C3554575, MONDO:0014057, OMIM 615135.

Allele frequency attached by ClinVar (database versions not stated): gnomAD exomes below 0.00001; TOPMed below 0.00001.
gnomAD v4.1: 3 of 1,614,188 alleles (0.00019%); highest among the groups gnomAD compares: East Asian, 0.0022%; no homozygotes.

Submissions (2):

Ambry Genetics
Classification: Uncertain significance. Last evaluated: 2021-06-18. Review status: criteria provided, single submitter. Criteria: Ambry Variant Classification Scheme 2023. Collection method: clinical testing. Allele origin: germline.

Labcorp Genetics (formerly Invitae), Labcorp
Classification: Uncertain significance for Maple syrup urine disease, mild variant. Last evaluated: 2019-05-18. Review status: criteria provided, single submitter. Criteria: Invitae Variant Classification Sherloc (09022015). Collection method: clinical testing. Allele origin: germline.
Comment: Algorithms developed to predict the effect of missense changes on protein structure and function (SIFT, PolyPhen-2, Align-GVGD) all suggest that this variant is likely to be disruptive, but these predictions have not been confirmed by published functional studies and their clinical significance is uncertain. This variant has not been reported in the literature in individuals with PPM1K-related conditions. This variant is not present in population databases (ExAC no frequency). This sequence change replaces arginine with glutamine at codon 104 of the PPM1K protein (p.Arg104Gln). The arginine residue is highly conserved and there is a small physicochemical difference between arginine and glutamine. In summary, the available evidence is currently insufficient to determine the role of this variant in disease. Therefore, it has been classified as a Variant of Uncertain Significance.